The following is an entry in ClinVar:

NM_001696.4(ATP6V1E1):c.12C>A (p.Ser4Arg)

Gene: ATP6V1E1 (ATPase H+ transporting V1 subunit E1; minus strand). Cytogenetic location: 22q11.21.
Variant type: single nucleotide variant.
Coding change: c.12C>A on transcript NM_001696.4 (MANE Select); coding-DNA position 12, C replaced by A.
Protein change: p.Ser4Arg; replaces serine 4 with arginine.
Molecular consequence: missense variant.
Genome position (GRCh38, 1-based): chr22:17,628,624, G>T on the plus strand (C>A on the coding strand, the complement: ATP6V1E1 is on the minus strand). VCF-style: chr22-17628624-G-T. GRCh37 (hg19) VCF-style: chr22-18111390-G-T.
Other names: c.12C>A, p.Ser4Arg (NM_001039366.1, NM_001039367.1); short protein forms S4R.
Identifiers: ClinVar variation 1405951 (VCV001405951.8), dbSNP rs2146325956, ClinGen allele CA410245778.

ClinVar aggregate classification (germline): Uncertain significance (1 of 4 stars; one submission).

Submission:

Labcorp Genetics (formerly Invitae), Labcorp
Classification: Uncertain significance. Last evaluated: 2021-12-03. Review status: criteria provided, single submitter. Criteria: Invitae Variant Classification Sherloc (09022015). Collection method: clinical testing. Allele origin: germline.
Comment: In summary, the available evidence is currently insufficient to determine the role of this variant in disease. Therefore, it has been classified as a Variant of Uncertain Significance. Algorithms developed to predict the effect of missense changes on protein structure and function are either unavailable or do not agree on the potential impact of this missense change (SIFT: "Deleterious"; PolyPhen-2: "Benign"; Align-GVGD: "Class C0"). This sequence change replaces serine, which is neutral and polar, with arginine, which is basic and polar, at codon 4 of the ATP6V1E1 protein (p.Ser4Arg). This variant is not present in population databases (gnomAD no frequency). This variant has not been reported in the literature in individuals affected with ATP6V1E1-related conditions.